The following is an entry in ClinVar:

NM_001323289.2(CDKL5):c.2464C>T (p.Arg822Cys)

Gene: CDKL5 (cyclin dependent kinase like 5; plus strand). Cytogenetic location: Xp22.13.
Variant type: single nucleotide variant.
Coding change: c.2464C>T on transcript NM_001323289.2 (MANE Select); coding-DNA position 2464, C replaced by T.
Protein change: p.Arg822Cys; replaces arginine 822 with cysteine.
Molecular consequence: missense variant.
Genome position (GRCh38, 1-based): chrX:18,625,215, C>T. VCF-style: chrX-18625215-C-T. GRCh37 (hg19) VCF-style: chrX-18643335-C-T.
Other names: c.2464C>T, p.Arg822Cys (NM_001037343.2, NM_003159.3); short protein forms R822C.
Identifiers: ClinVar variation 846246 (VCV000846246.10), dbSNP rs780609419, ClinGen allele CA10360540.

ClinVar aggregate classification (germline): Uncertain significance. Review status: criteria provided, multiple submitters, no conflicts (2 of 4 stars). 2 submissions from 2 submitters: Uncertain significance (2). Last evaluated 2026-01-24.

Conditions:
Inborn genetic diseases. Identifiers: MedGen C0950123, MeSH D030342.
Developmental and epileptic encephalopathy, 2 (DEE2). Also called: INFANTILE SPASM SYNDROME, X-LINKED 2; CDKL5 deficiency disorder. Identifiers: Orphanet 1934, Orphanet 3451, Orphanet 505652, MedGen C4750718, MONDO:0010396, OMIM 300672.
Angelman syndrome-like. Identifiers: MedGen CN128785.

Allele frequency attached by ClinVar (database versions not stated): gnomAD exomes below 0.00001 and 0.00001; ExAC 0.00001; gnomAD 0.00002; TOPMed 0.00003.
gnomAD v4.1: 6 of 1,205,178 alleles (0.0005%); highest among the groups gnomAD compares: Admixed American, 0.0022%; no homozygotes.

Submissions (2):

Labcorp Genetics (formerly Invitae), Labcorp
Classification: Uncertain significance for Developmental and epileptic encephalopathy, 2; Angelman syndrome-like. Last evaluated: 2026-01-24. Review status: criteria provided, single submitter. Criteria: Invitae Variant Classification Sherloc (09022015). Collection method: clinical testing. Allele origin: germline.
Comment: This sequence change replaces arginine, which is basic and polar, with cysteine, which is neutral and slightly polar, at codon 822 of the CDKL5 protein (p.Arg822Cys). The frequency data for this variant in the population databases is considered unreliable, as metrics indicate poor data quality at this position in the gnomAD database. This variant has not been reported in the literature in individuals affected with CDKL5-related conditions. ClinVar contains an entry for this variant (Variation ID: 846246). Invitae Evidence Modeling of protein sequence and biophysical properties (such as structural, functional, and spatial information, amino acid conservation, physicochemical variation, residue mobility, and thermodynamic stability) has been performed for this missense variant. However, the output from this modeling did not meet the statistical confidence thresholds required to predict the impact of this variant on CDKL5 protein function. In summary, the available evidence is currently insufficient to determine the role of this variant in disease. Therefore, it has been classified as a Variant of Uncertain Significance.

Ambry Genetics
Classification: Uncertain significance for Inborn genetic diseases. Last evaluated: 2017-06-19. Review status: criteria provided, single submitter. Criteria: Ambry Variant Classification Scheme 2023. Collection method: clinical testing. Allele origin: germline.
Comment: The p.R822C variant (also known as c.2464C>T), located in coding exon 16 of the CDKL5 gene, results from a C to T substitution at nucleotide position 2464. The arginine at codon 822 is replaced by cysteine, an amino acid with highly dissimilar properties. This amino acid position is highly conserved through mammals but not in all available vertebrate species. In addition, this alteration is predicted to be tolerated by in silico analysis. Since supporting evidence is limited at this time, the clinical significance of this alteration remains unclear.